The following is an entry in ClinVar:

NM_002432.3(MNDA):c.1007A>G (p.Asn336Ser)

Gene: MNDA (myeloid cell nuclear differentiation antigen; plus strand). Cytogenetic location: 1q23.1.
Variant type: single nucleotide variant.
Coding change: c.1007A>G on transcript NM_002432.3 (MANE Select); coding-DNA position 1007, A replaced by G.
Protein change: p.Asn336Ser; replaces asparagine 336 with serine.
Molecular consequence: missense variant.
Genome position (GRCh38, 1-based): chr1:158,847,747, A>G. VCF-style: chr1-158847747-A-G. GRCh37 (hg19) VCF-style: chr1-158817537-A-G.
Other names: short protein forms N336S.
Identifiers: ClinVar variation 3295428 (VCV003295428.1).

ClinVar aggregate classification (germline): Uncertain significance (1 of 4 stars; one submission).

gnomAD v4.1: 1 of 1,613,002 alleles (0.000062%); no homozygotes.

Submission:

Ambry Genetics
Classification: Uncertain significance. Last evaluated: 2024-06-20. Review status: criteria provided, single submitter. Criteria: Ambry Variant Classification Scheme 2023. Collection method: clinical testing. Allele origin: germline.
Comment: The p.N336S variant (also known as c.1007A>G), located in coding exon 5 of the MNDA gene, results from an A to G substitution at nucleotide position 1007. The asparagine at codon 336 is replaced by serine, an amino acid with highly similar properties. This amino acid position is conserved. In addition, this alteration is predicted to be tolerated by in silico analysis. Based on the available evidence, the clinical significance of this variant remains unclear.